The following is an entry in ClinVar:

NM_000212.3(ITGB3):c.17G>T (p.Arg6Leu)

Genes: ITGB3 (integrin subunit beta 3; plus strand), LOC130061041 (ATAC-STARR-seq lymphoblastoid silent region 8624; plus strand). Cytogenetic location: 17q21.32.
Variant type: single nucleotide variant.
Coding change: c.17G>T on transcript NM_000212.3 (MANE Select); coding-DNA position 17, G replaced by T.
Protein change: p.Arg6Leu; replaces arginine 6 with leucine.
Molecular consequence: missense variant.
Genome position (GRCh38, 1-based): chr17:47,253,878, G>T. VCF-style: chr17-47253878-G-T. GRCh37 (hg19) VCF-style: chr17-45331244-G-T.
Other names: short protein forms R6L.
Identifiers: ClinVar variation 2899698 (VCV002899698.1), dbSNP rs762907751, ClinGen allele CA8622828.

ClinVar aggregate classification (germline): Uncertain significance (1 of 4 stars; one submission).

Allele frequency attached by ClinVar (database versions not stated): ExAC 0.00327.
gnomAD v4.1: 16 of 1,256,762 alleles (0.0013%); highest among the groups gnomAD compares: South Asian, 0.044%; no homozygotes.

Submission:

Labcorp Genetics (formerly Invitae), Labcorp
Classification: Uncertain significance. Last evaluated: 2023-09-29. Review status: criteria provided, single submitter. Criteria: Invitae Variant Classification Sherloc (09022015). Collection method: clinical testing. Allele origin: germline.
Comment: This sequence change replaces arginine, which is basic and polar, with leucine, which is neutral and non-polar, at codon 6 of the ITGB3 protein (p.Arg6Leu). This variant is present in population databases (rs762907751, gnomAD 0.1%). This variant has not been reported in the literature in individuals affected with ITGB3-related conditions. An algorithm developed to predict the effect of missense changes on protein structure and function (PolyPhen-2) suggests that this variant¬†is likely to be tolerated. In summary, the available evidence is currently insufficient to determine the role of this variant in disease. Therefore, it has been classified as a Variant of Uncertain Significance.